The following is an entry in ClinVar:

NM_005245.4(FAT1):c.5248A>G (p.Thr1750Ala)

Gene: FAT1 (FAT atypical cadherin 1; minus strand). Cytogenetic location: 4q35.2.
Variant type: single nucleotide variant.
Coding change: c.5248A>G on transcript NM_005245.4 (MANE Select); coding-DNA position 5248, A replaced by G.
Protein change: p.Thr1750Ala; replaces threonine 1750 with alanine.
Molecular consequence: missense variant.
Genome position (GRCh38, 1-based): chr4:186,621,338, T>C on the plus strand (A>G on the coding strand, the complement: FAT1 is on the minus strand). VCF-style: chr4-186621338-T-C. GRCh37 (hg19) VCF-style: chr4-187542492-T-C.
Other names: short protein forms T1750A.
Identifiers: ClinVar variation 3848933 (VCV003848933.2).

ClinVar aggregate classification (germline): Uncertain significance. Review status: criteria provided, multiple submitters, no conflicts (2 of 4 stars). 2 submissions from 2 submitters: Uncertain significance (2). Last evaluated 2025-11-24.

Conditions:
FAT1-related disorder. Also called: FAT1-related condition.
Inborn genetic diseases. Identifiers: MedGen C0950123, MeSH D030342.

gnomAD v4.1: 46 of 1,613,920 alleles (0.0029%); highest among the groups gnomAD compares: Non-Finnish European, 0.0012%; no homozygotes.

Submissions (2):

PreventionGenetics, part of Exact Sciences
Classification: Uncertain significance for FAT1-related condition. Last evaluated: 2025-11-24. Review status: criteria provided, single submitter. Criteria: ACMG Guidelines, 2015. Collection method: clinical testing. Allele origin: germline.
Comment: The FAT1 c.5248A>G variant is predicted to result in the amino acid substitution p.Thr1750Ala. To our knowledge, this variant has not been reported in the literature. This variant is reported in 0.068% of alleles in individuals of Ashkenazi Jewish descent in gnomAD. At this time, the clinical significance of this variant is uncertain due to the absence of conclusive functional and genetic evidence.

Ambry Genetics
Classification: Uncertain significance for Inborn genetic diseases. Last evaluated: 2025-02-13. Review status: criteria provided, single submitter. Criteria: Ambry Variant Classification Scheme 2023. Collection method: clinical testing. Allele origin: germline.